The following is an entry in ClinVar:

ClinVar aggregate classification (germline): Uncertain significance (1 of 4 stars; one submission).

Conditions:
POU4F3-related disorder. Also called: POU4F3-related condition.

gnomAD v4.1: 3 of 1,614,090 alleles (0.00019%); highest among the groups gnomAD compares: South Asian, 0.0033%; no homozygotes.

Submission:

PreventionGenetics, part of Exact Sciences
Classification: Uncertain significance for POU4F3-related condition. Last evaluated: 2023-05-03. Review status: criteria provided, single submitter. Criteria: ACMG Guidelines, 2015. Collection method: clinical testing. Allele origin: germline.
Comment: The POU4F3 c.607G>T variant is predicted to result in the amino acid substitution p.Val203Leu. To our knowledge, this variant has not been reported in the literature. This variant is reported in 0.0033% of alleles in individuals of South Asian descent in gnomAD. At this time, the clinical significance of this variant is uncertain due to the absence of conclusive functional and genetic evidence.

NM_002700.3(POU4F3):c.607G>T (p.Val203Leu)

Genes: POU4F3 (POU class 4 homeobox 3; plus strand), RBM27-POU4F3 (RBM27-POU4F3 readthrough; plus strand). Cytogenetic location: 5q32.
Variant type: single nucleotide variant.
Coding change: c.607G>T on transcript NM_002700.3 (MANE Select); coding-DNA position 607, G replaced by T.
Protein change: p.Val203Leu; replaces valine 203 with leucine.
Molecular consequence: missense variant. On other transcripts: 3 prime UTR variant (1).
Genome position (GRCh38, 1-based): chr5:146,340,034, G>T. VCF-style: chr5-146340034-G-T. GRCh37 (hg19) VCF-style: chr5-145719597-G-T.
Other names: c.*476G>T (NM_001414499.1); short protein forms V203L.
Identifiers: ClinVar variation 2633013 (VCV002633013.1), dbSNP rs1281667943, ClinGen allele CA361621472.